The following is an entry in ClinVar:

NM_001164688.2(RD3):c.233G>C (p.Arg78Pro)

Gene: RD3 (RD3 regulator of GUCY2D; minus strand). Cytogenetic location: 1q32.3.
Variant type: single nucleotide variant.
Coding change: c.233G>C on transcript NM_001164688.2 (MANE Select); coding-DNA position 233, G replaced by C.
Protein change: p.Arg78Pro; replaces arginine 78 with proline.
Molecular consequence: missense variant.
Genome position (GRCh38, 1-based): chr1:211,481,183, C>G on the plus strand (G>C on the coding strand, the complement: RD3 is on the minus strand). VCF-style: chr1-211481183-C-G. GRCh37 (hg19) VCF-style: chr1-211654525-C-G.
Other names: c.233G>C, p.Arg78Pro (NM_183059.3); short protein forms R78P.
Identifiers: ClinVar variation 2980259 (VCV002980259.3), dbSNP rs199896612, ClinGen allele CA344879282.

ClinVar aggregate classification (germline): Uncertain significance (1 of 4 stars; one submission).

Conditions:
Leber congenital amaurosis 12 (LCA12). Identifiers: Orphanet 65, MedGen C1857743, MONDO:0012525, OMIM 610612.

Submission:

Labcorp Genetics (formerly Invitae), Labcorp
Classification: Uncertain significance for Leber congenital amaurosis 12. Last evaluated: 2023-07-28. Review status: criteria provided, single submitter. Criteria: Invitae Variant Classification Sherloc (09022015). Collection method: clinical testing. Allele origin: germline.
Comment: This sequence change replaces arginine, which is basic and polar, with proline, which is neutral and non-polar, at codon 78 of the RD3 protein (p.Arg78Pro). This variant is not present in population databases (gnomAD no frequency). This variant has not been reported in the literature in individuals affected with RD3-related conditions. An algorithm developed to predict the effect of missense changes on protein structure and function (PolyPhen-2) suggests that this variant is likely to be disruptive. In summary, the available evidence is currently insufficient to determine the role of this variant in disease. Therefore, it has been classified as a Variant of Uncertain Significance.